The following is an entry in ClinVar:

NM_000245.4(MET):c.3936-19G>C

Gene: MET (MET proto-oncogene, receptor tyrosine kinase; plus strand). Cytogenetic location: 7q31.2.
Variant type: single nucleotide variant.
Coding change: c.3936-19G>C on transcript NM_000245.4 (MANE Select); 19 bases into the intron before coding-DNA position 3936, G replaced by C.
Molecular consequence: intron variant.
Genome position (GRCh38, 1-based): chr7:116,795,868, G>C. VCF-style: chr7-116795868-G-C. GRCh37 (hg19) VCF-style: chr7-116435922-G-C.
Other names: c.3990-19G>C (NM_001127500.3); c.2646-19G>C (NM_001324402.2).
Identifiers: ClinVar variation 3773436 (VCV003773436.1).

ClinVar aggregate classification (germline): Likely benign (1 of 4 stars; one submission).

Conditions:
Papillary renal cell carcinoma type 1 (RCCP1). Also called: RENAL CELL CARCINOMA, PAPILLARY, 1, SOMATIC; Renal adenocarcinoma; Renal cell carcinoma 1; Renal cell carcinoma, somatic. Identifiers: Orphanet 47044, MedGen C1336839, OMIM 605074, HP:0011797.

Submission:

Myriad Genetics, Inc.
Classification: Likely benign for Papillary renal cell carcinoma type 1. Last evaluated: 2024-11-14. Review status: criteria provided, single submitter. Criteria: Myriad Autosomal Dominant, Autosomal Recessive and X-Linked Classification Criteria (2023). Collection method: clinical testing. Allele origin: unknown.
Comment: This variant is considered likely benign. This variant is intronic and is not expected to impact mRNA splicing.